The following is an entry in ClinVar:

ClinVar aggregate classification (germline): Uncertain significance (1 of 4 stars; one submission).

Conditions:
Hereditary cancer-predisposing syndrome. Also called: Neoplastic Syndromes, Hereditary; Hereditary Cancer Syndrome; Tumor predisposition; Hereditary neoplastic syndrome. Identifiers: Orphanet 140162, MedGen C0027672, MeSH D009386, MONDO:0015356.

Submission:

Ambry Genetics
Classification: Uncertain significance for Hereditary cancer-predisposing syndrome. Last evaluated: 2025-02-19. Review status: criteria provided, single submitter. Criteria: Ambry Variant Classification Scheme 2023. Collection method: clinical testing. Allele origin: germline.
Comment: The c.186delG variant, located in coding exon 2 of the POLE gene, results from a deletion of one nucleotide at nucleotide position 186, causing a translational frameshift with a predicted alternate stop codon (p.W62Cfs*11). This alteration is expected to result in loss of function by premature protein truncation or nonsense-mediated mRNA decay. Although biallelic loss of function of POLE has been associated with autosomal recessive POLE deficiency, haploinsufficiency of POLE has not been established as a mechanism of disease for POLE-related polymerase proofreading-associated polyposis (PPAP) and POLE-related CMMRD-like syndrome. Based on the supporting evidence, this variant is expected to be causative of POLE deficiency when present along with a second pathogenic variant on the other allele; however, its clinical significance for PPAP and POLE-related CMMRD-like syndrome is unclear.

NM_006231.4(POLE):c.186del (p.Trp62fs)

Gene: POLE (DNA polymerase epsilon, catalytic subunit; minus strand). Cytogenetic location: 12q24.33.
Variant type: Deletion.
Coding change: c.186del on transcript NM_006231.4 (MANE Select); coding-DNA position 186, one base deleted (G; older notation c.186delG).
Protein change: p.Trp62fs; shifts the reading frame from tryptophan 62.
Molecular consequence: frameshift variant.
Genome position (GRCh38, 1-based): chr12:132,681,156, C deleted on the plus strand (G on the coding strand, the reverse complement: POLE is on the minus strand); the first of 2 consecutive C bases (chr12:132,681,156-132,681,157); deleting either gives the same sequence. VCF-style (leftmost placement, unchanged base first): chr12-132681155-GC-G. GRCh37 (hg19) VCF-style: chr12-133257741-GC-G.
Other names: short protein forms W62fs.
Identifiers: ClinVar variation 3781507 (VCV003781507.1).
Genomic context (GRCh38, chr12:132,681,155, plus strand): 5'-GTTGCAGCCATATTCCTGGGTGGGAGAAGGACCTAGTGCTTACAGGATGCATGTTAATGA[GC>G]CAGCCTGTCTTCTCACCAGGCTCCTTCAGCCGCTCAAAACCAAACCGCAAATCCATCTTA-3'